The following is an entry in ClinVar:

NM_001382430.1(AKT1):c.1130A>G (p.Lys377Arg)

Gene: AKT1 (AKT serine/threonine kinase 1; minus strand). Cytogenetic location: 14q32.33.
Variant type: single nucleotide variant.
Coding change: c.1130A>G on transcript NM_001382430.1 (MANE Select); coding-DNA position 1130, A replaced by G.
Protein change: p.Lys377Arg; replaces lysine 377 with arginine.
Molecular consequence: missense variant.
Genome position (GRCh38, 1-based): chr14:104,772,920, T>C on the plus strand (A>G on the coding strand, the complement: AKT1 is on the minus strand). VCF-style: chr14-104772920-T-C. GRCh37 (hg19) VCF-style: chr14-105239257-T-C.
Other names: c.1130A>G, p.Lys377Arg (NM_001014431.2, NM_001014432.2, NM_001382431.1 and 3 more transcripts); short protein forms K377R.
Identifiers: ClinVar variation 1023845 (VCV001023845.11), dbSNP rs1480573852, ClinGen allele CA391216684.

ClinVar aggregate classification (germline): Uncertain significance. Review status: criteria provided, multiple submitters, no conflicts (2 of 4 stars). 2 submissions from 2 submitters: Uncertain significance (2). Last evaluated 2024-07-15.

Conditions:
Inborn genetic diseases. Identifiers: MedGen C0950123, MeSH D030342.
Cowden syndrome 6 (CWS6). Identifiers: Orphanet 201, MedGen C3554519, MONDO:0014048, OMIM 615109.

Submissions (2):

Ambry Genetics
Classification: Uncertain significance for Inborn genetic diseases. Last evaluated: 2024-07-15. Review status: criteria provided, single submitter. Criteria: Ambry Variant Classification Scheme 2023. Collection method: clinical testing. Allele origin: germline.
Comment: The p.K377R variant (also known as c.1130A>G), located in coding exon 10 of the AKT1 gene, results from an A to G substitution at nucleotide position 1130. The lysine at codon 377 is replaced by arginine, an amino acid with highly similar properties. This amino acid position is conserved. In addition, this alteration is predicted to be tolerated by in silico analysis. Since supporting evidence is limited at this time, the clinical significance of this alteration remains unclear.

Labcorp Genetics (formerly Invitae), Labcorp
Classification: Uncertain significance for Cowden syndrome 6. Last evaluated: 2020-08-29. Review status: criteria provided, single submitter. Criteria: Invitae Variant Classification Sherloc (09022015). Collection method: clinical testing. Allele origin: germline.
Comment: In summary, the available evidence is currently insufficient to determine the role of this variant in disease. Therefore, it has been classified as a Variant of Uncertain Significance. Algorithms developed to predict the effect of sequence changes on RNA splicing suggest that this variant may create or strengthen a splice site, but this prediction has not been confirmed by published transcriptional studies. Algorithms developed to predict the effect of missense changes on protein structure and function output the following: SIFT: "Tolerated"; PolyPhen-2: "Benign"; Align-GVGD: "Class C0". The arginine amino acid residue is found in multiple mammalian species, suggesting that this missense change does not adversely affect protein function. These predictions have not been confirmed by published functional studies and their clinical significance is uncertain. This variant has not been reported in the literature in individuals with AKT1-related conditions. This variant is not present in population databases (ExAC no frequency). This sequence change replaces lysine with arginine at codon 377 of the AKT1 protein (p.Lys377Arg). The lysine residue is moderately conserved and there is a small physicochemical difference between lysine and arginine.